The following is an entry in ClinVar:

ClinVar aggregate classification (germline): Uncertain significance. Review status: criteria provided, multiple submitters, no conflicts (2 of 4 stars). 3 submissions from 3 submitters: Uncertain significance (3). Last evaluated 2021-07-15.

Conditions:
Developmental and epileptic encephalopathy, 25 (DEE25). Also called: Developmental and epileptic encephalopathy 25, with amelogenesis imperfecta; Epileptic encephalopathy, early infantile, 25, with amelogenesis imperfecta; Epileptic encephalopathy, early infantile, 25. Identifiers: Orphanet 442835, MedGen C4014621, MONDO:0014392, OMIM 615905.

Allele frequency attached by ClinVar (database versions not stated): gnomAD exomes below 0.00001.
gnomAD v4.1: 2 of 1,612,310 alleles (0.00012%); highest among the groups gnomAD compares: Non-Finnish European, 0.00017%; no homozygotes.

Submissions (3):

Genome-Nilou Lab
Classification: Uncertain significance for Developmental and epileptic encephalopathy, 25. Last evaluated: 2021-07-15. Review status: criteria provided, single submitter. Criteria: ACMG Guidelines, 2015. Collection method: clinical testing. Allele origin: germline. Affected: no.

Labcorp Genetics (formerly Invitae), Labcorp
Classification: Uncertain significance for Developmental and epileptic encephalopathy, 25. Last evaluated: 2020-08-18. Review status: criteria provided, single submitter. Criteria: Invitae Variant Classification Sherloc (09022015). Collection method: clinical testing. Allele origin: germline.
Comment: Algorithms developed to predict the effect of missense changes on protein structure and function are either unavailable or do not agree on the potential impact of this missense change (SIFT: "Deleterious"; PolyPhen-2: "Benign"; Align-GVGD: "Class C45"). This sequence change replaces methionine with threonine at codon 433 of the SLC13A5 protein (p.Met433Thr). The methionine residue is weakly conserved and there is a moderate physicochemical difference between methionine and threonine. This variant is not present in population databases (ExAC no frequency). This variant has not been reported in the literature in individuals with SLC13A5-related conditions. ClinVar contains an entry for this variant (Variation ID: 423843). In summary, the available evidence is currently insufficient to determine the role of this variant in disease. Therefore, it has been classified as a Variant of Uncertain Significance.

GeneDx
Classification: Uncertain significance. Last evaluated: 2017-03-03. Review status: criteria provided, single submitter. Criteria: GeneDx Variant Classification (06012015). Collection method: clinical testing. Allele origin: germline. Affected: yes.
Comment: The M433T variant in the SLC13A5 gene has not been reported previously as a pathogenic variant, nor as a benign variant, to our knowledge. The M433T variant is not observed in large population cohorts (Lek et al., 2016; 1000 Genomes Consortium et al., 2015; Exome Variant Server). The M433T variant is a non-conservative amino acid substitution, which is likely to impact secondary protein structure as these residues differ in polarity, charge, size and/or other properties. This substitution occurs at a position where amino acids with similar properties to Methionine are tolerated across species. In silico analysis predicts this variant is probably damaging to the protein structure/function. We interpret M433T as a variant of uncertain significance.

NM_177550.5(SLC13A5):c.1298T>C (p.Met433Thr)

Gene: SLC13A5 (solute carrier family 13 member 5; minus strand). Cytogenetic location: 17p13.1.
Variant type: single nucleotide variant.
Coding change: c.1298T>C on transcript NM_177550.5 (MANE Select); coding-DNA position 1298, T replaced by C.
Protein change: p.Met433Thr; replaces methionine 433 with threonine.
Molecular consequence: missense variant.
Genome position (GRCh38, 1-based): chr17:6,690,918, A>G on the plus strand (T>C on the coding strand, the complement: SLC13A5 is on the minus strand). VCF-style: chr17-6690918-A-G. GRCh37 (hg19) VCF-style: chr17-6594237-A-G.
Other names: c.1298T>C, p.Met433Thr (NM_001143838.3); c.1247T>C, p.Met416Thr (NM_001284509.2); c.1169T>C, p.Met390Thr (NM_001284510.2); short protein forms M433T, M416T, M390T.
Identifiers: ClinVar variation 423843 (VCV000423843.13), dbSNP rs1064796654, ClinGen allele CA16620584.